The following is an entry in ClinVar:

ClinVar aggregate classification (germline): Likely pathogenic (1 of 4 stars; one submission).

Conditions:
Osteogenesis imperfecta type 11. Also called: OI, TYPE XI; Osteogenesis imperfecta, type XI. Identifiers: Orphanet 666, MedGen C3151218, MONDO:0012592, OMIM 610968.

Submission:

Juno Genomics, Hangzhou Juno Genomics, Inc
Classification: Likely pathogenic for Osteogenesis imperfecta type 11. Review status: criteria provided, single submitter. Criteria: ACMG Guidelines, 2015. Collection method: clinical testing. Allele origin: germline. Affected: yes.
Comment: Absent from controls (or at extremely low frequency if recessive) in Genome Aggregation Database.;Null variant in a gene where loss of function (LOF) is a known mechanism of disease.;For recessive disorders, detected in trans with a pathogenic variant.;Patient's phenotype or family history is highly specific for a disease with a single genetic etiology.

NM_021939.4(FKBP10):c.1A>G (p.Met1Val)

Gene: FKBP10 (FKBP prolyl isomerase 10; plus strand). Cytogenetic location: 17q21.2.
Variant type: single nucleotide variant.
Coding change: c.1A>G on transcript NM_021939.4 (MANE Select); coding-DNA position 1, A replaced by G.
Protein change: p.Met1Val; changes the start codon (methionine 1).
Molecular consequence: missense variant, initiator codon variant.
Genome position (GRCh38, 1-based): chr17:41,813,035, A>G. VCF-style: chr17-41813035-A-G. GRCh37 (hg19) VCF-style: chr17-39969287-A-G.
Other names: short protein forms M1V.
Identifiers: ClinVar variation 4531247 (VCV004531247.2).
Genomic context (GRCh38, chr17:41,813,035, plus strand): 5'-GGAGGTTGGTGGCGACTCCCTCGCTCGCCCTCACTGCCGGCGGTCCCAACTCCAGGCACC[A>G]TGTTCCCCGCGGGCCCCCCCAGCCACAGCCTCCTCCGGCTCCCCCTGCTGCAGTTGCTGC-3'
Protein context (NP_068758.3, residues 1-11): [Met1Val]FPAGPPSHSL